The following is an entry in ClinVar:

NM_000057.4(BLM):c.3478T>C (p.Tyr1160His)

Gene: BLM (BLM RecQ like helicase; plus strand). Cytogenetic location: 15q26.1.
Variant type: single nucleotide variant.
Coding change: c.3478T>C on transcript NM_000057.4 (MANE Select); coding-DNA position 3478, T replaced by C.
Protein change: p.Tyr1160His; replaces tyrosine 1160 with histidine.
Molecular consequence: missense variant. On other transcripts: intron variant (1).
Genome position (GRCh38, 1-based): chr15:90,803,640, T>C. VCF-style: chr15-90803640-T-C. GRCh37 (hg19) VCF-style: chr15-91346870-T-C.
Other names: c.3478T>C (NM_000057.2); c.3478T>C, p.Tyr1160His (NM_001287246.2); c.2353T>C, p.Tyr785His (NM_001287248.2); c.3358+5303T>C (NM_001287247.2); short protein forms Y785H, Y1160H.
Identifiers: ClinVar variation 644423 (VCV000644423.10), dbSNP rs752389778, ClinGen allele CA7739037.

ClinVar aggregate classification (germline): Uncertain significance. Review status: criteria provided, multiple submitters, no conflicts (2 of 4 stars). 4 submissions from 4 submitters: Uncertain significance (3). 1 of the submissions does not count toward it. Last evaluated 2025-01-15.

Conditions:
Hereditary cancer-predisposing syndrome. Also called: Neoplastic Syndromes, Hereditary; Tumor predisposition; Hereditary neoplastic syndrome; Hereditary Cancer Syndrome. Identifiers: Orphanet 140162, MedGen C0027672, MeSH D009386, MONDO:0015356.
Bloom syndrome (BLM). Also called: Bloom-Torre-Machacek syndrome. Identifiers: Orphanet 125, MedGen C0005859, MONDO:0008876, OMIM 210900.

Allele frequency attached by ClinVar (database versions not stated): gnomAD exomes below 0.00001; ExAC 0.00001; gnomAD 0.00001; TOPMed 0.00002.

Submissions (4):

Labcorp Genetics (formerly Invitae), Labcorp
Classification: Uncertain significance for Bloom syndrome. Last evaluated: 2025-01-15. Review status: criteria provided, single submitter. Criteria: Invitae Variant Classification Sherloc (09022015). Collection method: clinical testing. Allele origin: germline.
Comment: This sequence change replaces tyrosine, which is neutral and polar, with histidine, which is basic and polar, at codon 1160 of the BLM protein (p.Tyr1160His). This variant is present in population databases (rs752389778, gnomAD 0.003%). This variant has not been reported in the literature in individuals affected with BLM-related conditions. ClinVar contains an entry for this variant (Variation ID: 644423). Invitae Evidence Modeling of protein sequence and biophysical properties (such as structural, functional, and spatial information, amino acid conservation, physicochemical variation, residue mobility, and thermodynamic stability) indicates that this missense variant is not expected to disrupt BLM protein function with a negative predictive value of 80%. In summary, the available evidence is currently insufficient to determine the role of this variant in disease. Therefore, it has been classified as a Variant of Uncertain Significance.

GeneDx
Classification: Uncertain significance. Last evaluated: 2024-11-12. Review status: criteria provided, single submitter. Criteria: GeneDx Variant Classification Process June 2021. Collection method: clinical testing. Allele origin: germline. Affected: yes.
Comment: Not observed at significant frequency in large population cohorts (gnomAD); In silico analysis supports that this missense variant has a deleterious effect on protein structure/function; Observed in an individual with a neurodevelopmental disorder (PMID: 33057194, 35982159); This variant is associated with the following publications: (PMID: 33057194, 35982159)

Ambry Genetics
Classification: Uncertain significance for Hereditary cancer-predisposing syndrome. Last evaluated: 2024-10-25. Review status: criteria provided, single submitter. Criteria: Ambry Variant Classification Scheme 2023. Collection method: clinical testing. Allele origin: germline.
Comment: The p.Y1160H variant (also known as c.3478T>C), located in coding exon 17 of the BLM gene, results from a T to C substitution at nucleotide position 3478. The tyrosine at codon 1160 is replaced by histidine, an amino acid with similar properties. This amino acid position is well conserved in available vertebrate species. In addition, this alteration is predicted to be tolerated by in silico analysis. Since supporting evidence is limited at this time, the clinical significance of this alteration remains unclear.

Natera, Inc.
Classification: Uncertain significance for Bloom syndrome. Last evaluated: 2020-09-16. Review status: no assertion criteria provided. Collection method: clinical testing. Allele origin: germline. Not counted in ClinVar's aggregate classification.